The following is an entry in ClinVar:

NM_021927.3(GUF1):c.1079-6C>G

Gene: GUF1 (GTP binding elongation factor GUF1; plus strand). Cytogenetic location: 4p12.
Variant type: single nucleotide variant.
Coding change: c.1079-6C>G on transcript NM_021927.3 (MANE Select); 6 bases into the intron before coding-DNA position 1079, C replaced by G.
Molecular consequence: intron variant.
Genome position (GRCh38, 1-based): chr4:44,689,280, C>G. VCF-style: chr4-44689280-C-G. GRCh37 (hg19) VCF-style: chr4-44691297-C-G.
Other names: c.1079-6C>G (NM_001345868.2); c.107-6C>G (NM_001345867.2, NM_001345869.2).
Identifiers: ClinVar variation 4709370 (VCV004709370.1).
Genomic context (GRCh38, chr4:44,689,280, plus strand): 5'-CACATGTGGTTTGATAGGTCTGTAGGCAGCTTATCACGTGATAATTAGAAATCATTGTAT[C>G]CCCAGGAATGTATCCTCTAGACCAATCTGAATATAACAATCTGAAGAGTGCTATAGAAAA-3'

ClinVar aggregate classification (germline): Uncertain significance (1 of 4 stars; one submission).

Submission:

Labcorp Genetics (formerly Invitae), Labcorp
Classification: Uncertain significance. Last evaluated: 2025-03-31. Review status: criteria provided, single submitter. Criteria: Invitae Variant Classification Sherloc (09022015). Collection method: clinical testing. Allele origin: germline.
Comment: This sequence change falls in intron 9 of the GUF1 gene. It does not directly change the encoded amino acid sequence of the GUF1 protein. This variant is not present in population databases (gnomAD no frequency). This variant has not been reported in the literature in individuals affected with GUF1-related conditions. Algorithms developed to predict the effect of sequence changes on RNA splicing suggest that this variant may disrupt the consensus splice site. In summary, the available evidence is currently insufficient to determine the role of this variant in disease. Therefore, it has been classified as a Variant of Uncertain Significance.